The following is an entry in ClinVar:

ClinVar aggregate classification (germline): Pathogenic. Review status: criteria provided, multiple submitters, no conflicts (2 of 4 stars). 5 submissions from 5 submitters: Pathogenic (3). 2 of the submissions do not count toward it. Last evaluated 2025-09-30.

Conditions:
ENHANCED S-CONE SYNDROME 1 (ESCS1). Also called: RETINOSCHISIS WITH EARLY HEMERALOPIA; FAVRE HYALOIDEORETINAL DEGENERATION. Identifiers: MedGen CN380299, OMIM 268100.
Enhanced S-cone syndrome (ESCS). Identifiers: Orphanet 53540, MedGen C1849394, MONDO:0100288, MONDO:0009989.
Retinitis pigmentosa 37 (RP37). Identifiers: Orphanet 791, MedGen C1970163, MONDO:0012625, OMIM 611131.
Retinitis pigmentosa (RP). Identifiers: Orphanet 791, MedGen C0035334, MeSH D012174, MONDO:0019200, OMIM 268000. Inheritance: Autosomal dominant, autosomal recessive and X linked inheritance.
Goldmann-Favre syndrome. Identifiers: Orphanet 53540, MedGen C0339541, MONDO:0100289.

Submissions (5):

Myriad Genetics, Inc.
Classification: Pathogenic for ENHANCED S-CONE SYNDROME 1. Last evaluated: 2025-09-30. Review status: criteria provided, single submitter. Criteria: Myriad Autosomal Dominant, Autosomal Recessive and X-Linked Classification Criteria (2023). Collection method: clinical testing. Allele origin: unknown.
Comment: NM_014249.2(NR2E3):c.143_144del2ins25(R48Qfs*66) is a frameshift variant classified as pathogenic in the context of enhanced S-cone syndrome. R48Qfs*66 has been observed in a case with relevant disease (PMID: 22605927). Relevant functional assessments of this variant are not available in the literature. R48Qfs*66 has not been observed in referenced population frequency databases. In summary, NM_014249.2(NR2E3):c.143_144del2ins25(R48Qfs*66) is a frameshift variant that has been observed more frequently in cases with the relevant disease than in healthy populations. Please note: this variant was assessed in the context of healthy population screening.

Fulgent Genetics
Classification: Pathogenic for ENHANCED S-CONE SYNDROME 1; Retinitis pigmentosa 37. Last evaluated: 2024-04-26. Review status: criteria provided, single submitter. Criteria: ACMG Guidelines, 2015. Collection method: clinical testing. Allele origin: germline.

Laboratory for Molecular Medicine, Mass General Brigham Personalized Medicine
Classification: Pathogenic for Goldmann-Favre syndrome. Last evaluated: 2020-07-16. Review status: criteria provided, single submitter. Criteria: LMM Criteria. Collection method: clinical testing. Allele origin: germline. Inheritance: Autosomal recessive inheritance. Observed: 1 variant allele.
Comment: It was absent from large population studies, though the ability to detect variants of this size may be diminished. This variant is a deletion of two nucleotides and an insertion of 25 nucleotides and is predicted to cause a frameshift, which alters the proteinâ€™s amino acid sequence beginning at position 48 and leads to a premature termination codon 66 amino acids downstream. This alteration is then predicted to lead to a truncated or absent protein. Loss of function of the NR2E3 gene is an established disease mechanism in autosomal recessive enhanced S-cone syndrome. In summary, this variant meets criteria to be classified as pathogenic for autosomal recessive enhanced S-cone syndrome. ACMG/AMP Criteria applied: PVS1, PM2, PM3_Supporting.

Gen-Eye Clinic, Grow Research Laboratory, Narayana Nethralaya
Classification: Pathogenic for Retinitis pigmentosa. Last evaluated: 2017-06-08. Review status: no assertion criteria provided. Collection method: clinical testing. Allele origin: germline. Affected: yes. Not counted in ClinVar's aggregate classification.

OMIM
Classification: Pathogenic for RETINITIS PIGMENTOSA 37. Last evaluated: 2012-01-01. Review status: no assertion criteria provided. Collection method: literature only. Allele origin: germline. Not counted in ClinVar's aggregate classification.

Literature cited by the submitters: PubMed 22605927 (cited by 3 submitters).

NM_014249.4(NR2E3):c.143_144delinsAGTGTGCCTCCAGTGCCTCGCTCCA (p.Arg48fs)

Gene: NR2E3 (nuclear receptor subfamily 2 group E member 3; plus strand). Cytogenetic location: 15q23.
Variant type: Indel.
Coding change: c.143_144delinsAGTGTGCCTCCAGTGCCTCGCTCCA on transcript NM_014249.4 (MANE Select); coding-DNA positions 143 to 144, GC replaced by AGTGTGCCTCCAGTGCCTCGCTCCA.
Protein change: p.Arg48fs; shifts the reading frame from arginine 48.
Molecular consequence: frameshift variant.
Genome position (GRCh38, 1-based): chr15:71,811,507-71,811,508, GC replaced by AGTGTGCCTCCAGTGCCTCGCTCCA. VCF-style: chr15-71811507-GC-AGTGTGCCTCCAGTGCCTCGCTCCA. GRCh37 (hg19) VCF-style: chr15-72103847-GC-AGTGTGCCTCCAGTGCCTCGCTCCA.
Other names: c.143_144delGCinsAGTGTGCCTCCAGTGCCTCGCTCCA (NM_016346.3); c.143_144delinsAGTGTGCCTCCAGTGCCTCGCTCCA (NM_014249.2); c.143_144delinsAGTGTGCCTCCAGTGCCTCGCTCCA, p.Arg48fs (NM_016346.4); short protein forms R48fs.
Identifiers: ClinVar variation 183143 (VCV000183143.8), dbSNP rs730882149, ClinGen allele CA273766.